The following is an entry in ClinVar:

ClinVar aggregate classification (germline): Pathogenic (1 of 4 stars; one submission).

Conditions:
Nephronophthisis. Also called: Juvenile Nephronophthisis. Identifiers: Orphanet 655, MedGen C0687120, MONDO:0019005, HP:0000090.
Jeune thoracic dystrophy. Also called: Short-rib thoracic dysplasia; Jeune syndrome; Infantile thoracic dystrophy; Thoracic pelvic phalangeal dystrophy; Jeune's syndrome; Chondroectodermal dysplasia-like syndrome. Identifiers: Orphanet 474, MedGen C0265275, MONDO:0018770.

Submission:

Labcorp Genetics (formerly Invitae), Labcorp
Classification: Pathogenic for Jeune thoracic dystrophy; Nephronophthisis. Last evaluated: 2025-08-08. Review status: criteria provided, single submitter. Criteria: Invitae Variant Classification Sherloc (09022015). Collection method: clinical testing. Allele origin: germline.
Comment: This sequence change creates a premature translational stop signal (p.Leu336Phefs*6) in the TTC21B gene. It is expected to result in an absent or disrupted protein product. Loss-of-function variants in TTC21B are known to be pathogenic (PMID: 18327258, 21068128, 21258341, 23559409, 24876116, 25492405, 27491411, 29068549). This variant is not present in population databases (gnomAD no frequency). This variant has not been reported in the literature in individuals affected with TTC21B-related conditions. Algorithms developed to predict the effect of sequence changes on RNA splicing suggest that this variant may disrupt the consensus splice site. For these reasons, this variant has been classified as Pathogenic.

Literature cited by the submitters: PubMed 18327258; PubMed 21068128; PubMed 21258341; PubMed 23559409; PubMed 24876116; PubMed 25492405; PubMed 27491411; PubMed 29068549.

NM_024753.5(TTC21B):c.1007dup (p.Leu336fs)

Gene: TTC21B (tetratricopeptide repeat domain 21B; minus strand). Cytogenetic location: 2q24.3.
Variant type: Duplication.
Coding change: c.1007dup on transcript NM_024753.5 (MANE Select); coding-DNA position 1007, one base duplicated (T; older notation c.1007dupT).
Protein change: p.Leu336fs; shifts the reading frame from leucine 336.
Molecular consequence: frameshift variant.
Genome position (GRCh38, 1-based): chr2:165,930,252, A duplicated on the plus strand (T on the coding strand, the reverse complement: TTC21B is on the minus strand); the first of 4 consecutive A bases (chr2:165,930,252-165,930,255); duplicating any one gives the same sequence. VCF-style (leftmost placement, unchanged base first): chr2-165930251-T-TA. GRCh37 (hg19) VCF-style: chr2-166786761-T-TA.
Other names: short protein forms L336fs.
Identifiers: ClinVar variation 4791258 (VCV004791258.1).
Genomic context (GRCh38, chr2:165,930,251, plus strand): 5'-AGTCTCATCAAGTGTCATGGCGGTCTTATACCACTTCAGTGCCTCTTTAACTCTTCCTTG[T>TA]AAAATCATTTGGTATCCAAGTTCTGTAGCAAATTCTGATTGCTGAGGGTTTAAACTAAAA-3'